The following is an entry in ClinVar:

ClinVar aggregate classification (germline): Likely benign. Review status: criteria provided, multiple submitters, no conflicts (2 of 4 stars). 2 submissions from 2 submitters: Likely benign (2). Last evaluated 2025-09-01.

Allele frequency attached by ClinVar (database versions not stated): ExAC 0.00002; gnomAD 0.00002; TOPMed 0.00002.
gnomAD v4.1: 49 of 1,610,346 alleles (0.003%); highest among the groups gnomAD compares: African/African-American, 0.0067%; no homozygotes.

Submissions (2):

CeGaT Center for Human Genetics Tuebingen
Classification: Likely benign. Last evaluated: 2025-09-01. Review status: criteria provided, single submitter. Criteria: CeGaT Center For Human Genetics Tuebingen Variant Classification Criteria Version 2. Collection method: clinical testing. Allele origin: germline. Affected: yes. Observed: 1 variant allele.
Comment: DNA2: BP4, BP7

Labcorp Genetics (formerly Invitae), Labcorp
Classification: Likely benign. Last evaluated: 2025-07-23. Review status: criteria provided, single submitter. Criteria: Invitae Variant Classification Sherloc (09022015). Collection method: clinical testing. Allele origin: germline.

NM_001080449.3(DNA2):c.2331T>C (p.Phe777=)

Gene: DNA2 (DNA replication helicase/nuclease 2; minus strand). Cytogenetic location: 10q21.3.
Variant type: single nucleotide variant.
Coding change: c.2331T>C on transcript NM_001080449.3 (MANE Select); coding-DNA position 2331, T replaced by C.
Protein change: p.Phe777=; no amino-acid change (phenylalanine 777 retained).
Molecular consequence: synonymous variant. On other transcripts: non-coding transcript variant (1).
Genome position (GRCh38, 1-based): chr10:68,422,768, A>G on the plus strand (T>C on the coding strand, the complement: DNA2 is on the minus strand). VCF-style: chr10-68422768-A-G. GRCh37 (hg19) VCF-style: chr10-70182525-A-G.
Identifiers: ClinVar variation 2986908 (VCV002986908.10), dbSNP rs760551270, ClinGen allele CA5524849.